The following is an entry in ClinVar:

ClinVar aggregate classification (germline): Uncertain significance (1 of 4 stars; one submission).

Conditions:
Primary ciliary dyskinesia. Also called: Ciliary dyskinesia. Identifiers: Orphanet 244, MedGen C0008780, MONDO:0016575, HP:0012265.

Submission:

Labcorp Genetics (formerly Invitae), Labcorp
Classification: Uncertain significance for Primary ciliary dyskinesia. Last evaluated: 2022-06-25. Review status: criteria provided, single submitter. Criteria: Invitae Variant Classification Sherloc (09022015). Collection method: clinical testing. Allele origin: germline.
Comment: In summary, the available evidence is currently insufficient to determine the role of this variant in disease. Therefore, it has been classified as a Variant of Uncertain Significance. Algorithms developed to predict the effect of missense changes on protein structure and function are either unavailable or do not agree on the potential impact of this missense change (SIFT: "Deleterious"; PolyPhen-2: "Not Available"; Align-GVGD: "Class C0"). This variant has not been reported in the literature in individuals affected with DNAH8-related conditions. This variant is not present in population databases (gnomAD no frequency). This sequence change replaces arginine, which is basic and polar, with proline, which is neutral and non-polar, at codon 4687 of the DNAH8 protein (p.Arg4687Pro).

NM_001206927.2(DNAH8):c.14060G>C (p.Arg4687Pro)

Gene: DNAH8 (dynein axonemal heavy chain 8; plus strand). Cytogenetic location: 6p21.2.
Variant type: single nucleotide variant.
Coding change: c.14060G>C on transcript NM_001206927.2 (MANE Select); coding-DNA position 14060, G replaced by C.
Protein change: p.Arg4687Pro; replaces arginine 4687 with proline.
Molecular consequence: missense variant.
Genome position (GRCh38, 1-based): chr6:39,030,328, G>C. VCF-style: chr6-39030328-G-C. GRCh37 (hg19) VCF-style: chr6-38998104-G-C.
Other names: c.13409G>C, p.Arg4470Pro (NM_001371.4); short protein forms R4687P, R4470P.
Identifiers: ClinVar variation 2073190 (VCV002073190.3), dbSNP rs907018999, ClinGen allele CA364000473.
Genomic context (GRCh38, chr6:39,030,328, plus strand): 5'-GTCCTATTTACAAGAAACCCAGGCGAACTGATTTGACCTTCATCACTGTGGTATATTTAC[G>C]AACAGTGTTGTCCCCGGATCACTGGATCCTGAGAGGAGTGGCCCTTTTGTGTGACATCAA-3'
Protein context (NP_001193856.1, residues 4677-4697): DLTFITVVYL[Arg4687Pro]TVLSPDHWIL